The following is an entry in ClinVar:

NM_001376.5(DYNC1H1):c.12495C>T (p.Pro4165=)

Gene: DYNC1H1 (dynein cytoplasmic 1 heavy chain 1; plus strand). Cytogenetic location: 14q32.31.
Variant type: single nucleotide variant.
Coding change: c.12495C>T on transcript NM_001376.5 (MANE Select); coding-DNA position 12495, C replaced by T.
Protein change: p.Pro4165=; no amino-acid change (proline 4165 retained).
Molecular consequence: synonymous variant.
Genome position (GRCh38, 1-based): chr14:102,042,730, C>T. VCF-style: chr14-102042730-C-T. GRCh37 (hg19) VCF-style: chr14-102509067-C-T.
Identifiers: ClinVar variation 669372 (VCV000669372.9), dbSNP rs778319883, ClinGen allele CA7353938.

ClinVar aggregate classification (germline): Likely benign. Review status: criteria provided, multiple submitters, no conflicts (2 of 4 stars). 3 submissions from 3 submitters: Likely benign (3). Last evaluated 2026-02-26.

Conditions:
Charcot-Marie-Tooth disease axonal type 2O. Also called: CHARCOT-MARIE-TOOTH NEUROPATHY, AXONAL, TYPE 2O; CHARCOT-MARIE-TOOTH DISEASE, AXONAL, AUTOSOMAL DOMINANT, TYPE 2O; Charcot-Marie-Tooth Neuropathy Type 2O; Charcot-Marie-Tooth disease, axonal, type 20. Identifiers: Orphanet 284232, MedGen C3280220, MONDO:0013644, OMIM 614228.
DYNC1H1-related disorder. Also called: DYNC1H1-related condition; DYNC1H1-related disorders. Identifiers: MedGen CN381529.

Allele frequency attached by ClinVar (database versions not stated): gnomAD 0.00001; gnomAD exomes 0.00001; TOPMed 0.00001; ExAC 0.00002.
gnomAD v4.1: 16 of 1,614,054 alleles (0.00099%); highest among the groups gnomAD compares: Middle Eastern, 0.066%; no homozygotes.

Submissions (3):

PreventionGenetics, part of Exact Sciences
Classification: Likely benign for DYNC1H1-related condition. Last evaluated: 2026-02-26. Review status: criteria provided, single submitter. Criteria: ACMG Guidelines, 2015. Collection method: clinical testing. Allele origin: germline.
Comment: This variant is classified as likely benign based on ACMG/AMP sequence variant interpretation guidelines (Richards et al. 2015 PMID: 25741868, with internal and published modifications).

Labcorp Genetics (formerly Invitae), Labcorp
Classification: Likely benign for Charcot-Marie-Tooth disease axonal type 2O. Last evaluated: 2025-06-19. Review status: criteria provided, single submitter. Criteria: Invitae Variant Classification Sherloc (09022015). Collection method: clinical testing. Allele origin: germline.

GeneDx
Classification: Likely benign. Last evaluated: 2018-06-06. Review status: criteria provided, single submitter. Criteria: GeneDx Variant Classification (06012015). Collection method: clinical testing. Allele origin: germline. Affected: yes.
Comment: This variant is considered likely benign or benign based on one or more of the following criteria: it is a conservative change, it occurs at a poorly conserved position in the protein, it is predicted to be benign by multiple in silico algorithms, and/or has population frequency not consistent with disease.